The following is an entry in ClinVar:

ClinVar aggregate classification (germline): Uncertain significance (1 of 4 stars; one submission).

Allele frequency attached by ClinVar (database versions not stated): ExAC 0.00001; gnomAD 0.00001; gnomAD exomes 0.00001; TOPMed 0.00001; ESP Exome Variant Server 0.00008.
gnomAD v4.1: 16 of 1,613,838 alleles (0.00099%); highest among the groups gnomAD compares: Non-Finnish European, 0.0013%; no homozygotes.

Submission:

Labcorp Genetics (formerly Invitae), Labcorp
Classification: Uncertain significance. Last evaluated: 2022-08-23. Review status: criteria provided, single submitter. Criteria: Invitae Variant Classification Sherloc (09022015). Collection method: clinical testing. Allele origin: germline.
Comment: In summary, the available evidence is currently insufficient to determine the role of this variant in disease. Therefore, it has been classified as a Variant of Uncertain Significance. Algorithms developed to predict the effect of missense changes on protein structure and function are either unavailable or do not agree on the potential impact of this missense change (SIFT: "Tolerated"; PolyPhen-2: "Not Available"; Align-GVGD: "Class C0"). ClinVar contains an entry for this variant (Variation ID: 1461027). This variant has not been reported in the literature in individuals affected with MICU1-related conditions. This variant is present in population databases (rs376145600, gnomAD 0.002%). This sequence change replaces methionine, which is neutral and non-polar, with isoleucine, which is neutral and non-polar, at codon 347 of the MICU1 protein (p.Met347Ile).

NM_001195518.2(MICU1):c.1035G>A (p.Met345Ile)

Gene: MICU1 (mitochondrial calcium uptake 1; minus strand). Cytogenetic location: 10q22.1.
Variant type: single nucleotide variant.
Coding change: c.1035G>A on transcript NM_001195518.2 (MANE Select); coding-DNA position 1035, G replaced by A.
Protein change: p.Met345Ile; replaces methionine 345 with isoleucine.
Molecular consequence: missense variant.
Genome position (GRCh38, 1-based): chr10:72,423,270, C>T on the plus strand (G>A on the coding strand, the complement: MICU1 is on the minus strand). VCF-style: chr10-72423270-C-T. GRCh37 (hg19) VCF-style: chr10-74183028-C-T.
Other names: c.441G>A, p.Met147Ile (NM_001195519.2); c.1053G>A, p.Met351Ile (NM_001363513.2); c.1041G>A, p.Met347Ile (NM_006077.4); short protein forms M147I, M345I, M347I, M351I.
Identifiers: ClinVar variation 1461027 (VCV001461027.4), dbSNP rs376145600, ClinGen allele CA5550094.